The following is an entry in ClinVar:

NM_201589.4(MAFA):c.413C>A (p.Ala138Glu)

Gene: MAFA (MAF bZIP transcription factor A; minus strand). Cytogenetic location: 8q24.3.
Variant type: single nucleotide variant.
Coding change: c.413C>A on transcript NM_201589.4 (MANE Select); coding-DNA position 413, C replaced by A.
Protein change: p.Ala138Glu; replaces alanine 138 with glutamic acid.
Molecular consequence: missense variant.
Genome position (GRCh38, 1-based): chr8:143,429,994, G>T on the plus strand (C>A on the coding strand, the complement: MAFA is on the minus strand). VCF-style: chr8-143429994-G-T. GRCh37 (hg19) VCF-style: chr8-144512164-G-T.
Other names: short protein forms A138E.
Identifiers: ClinVar variation 3392479 (VCV003392479.2).

ClinVar aggregate classification (germline): Uncertain significance (1 of 4 stars; one submission).

Conditions:
Islet cell adenomatosis. Identifiers: MedGen C1578917, MONDO:0007834, OMIM 147630.

gnomAD v4.1: 1 of 1,349,850 alleles (0.000074%); highest among the groups gnomAD compares: Non-Finnish European, 0.000096%; no homozygotes.

Submission:

Juno Genomics, Hangzhou Juno Genomics, Inc
Classification: Uncertain significance for Islet cell adenomatosis. Review status: criteria provided, single submitter. Criteria: ACMG Guidelines, 2015. Collection method: clinical testing. Allele origin: germline. Affected: yes.
Comment: Absent from controls (or at extremely low frequency if recessive) in Genome Aggregation Database, Exome Sequencing Project, 1000 Genomes Project, or Exome Aggregation Consortium.;Multiple lines of computational evidence support a deleterious effect on the gene or gene product (conservation, evolutionary, splicing impact, etc).;Patient's phenotype or family history is highly specific for a disease with a single genetic etiology.